The following is an entry in ClinVar:

ClinVar aggregate classification (germline): Conflicting classifications of pathogenicity. Review status: criteria provided, conflicting classifications (1 of 4 stars). 2 submissions from 2 submitters: Likely pathogenic (1); Uncertain significance (1). Last evaluated 2025-04-01.

Conditions:
Multiple congenital anomalies-neurodevelopmental syndrome, X-linked. Also called: LINKED SYNDROME. Identifiers: MedGen C5542341, MONDO:0025351, OMIM 301056.

Submissions (2):

CeGaT Center for Human Genetics Tuebingen
Classification: Uncertain significance. Last evaluated: 2025-04-01. Review status: criteria provided, single submitter. Criteria: CeGaT Center For Human Genetics Tuebingen Variant Classification Criteria Version 2. Collection method: clinical testing. Allele origin: germline. Affected: yes. Observed: 1 variant allele.
Comment: OTUD5: PM2, PP2

Victorian Clinical Genetics Services, Murdoch Childrens Research Institute
Classification: Likely pathogenic for Multiple congenital anomalies-neurodevelopmental syndrome, X-linked. Last evaluated: 2024-12-22. Review status: criteria provided, single submitter. Criteria: ACMG Guidelines, 2015. Collection method: clinical testing. Allele origin: germline. Affected: yes.
Comment: This variant is classified as Likely pathogenic. Evidence in support of pathogenic classification: Variant is absent from gnomAD (v2, v3 and v4); Missense variant in a region that is highly intolerant to missense variation (high constraint region in DECIPHER); Additional information: Variant is predicted to result in a missense amino acid change from alanine to threonine; This variant is hemizygous; This gene is associated with X-linked recessive disease; This variant has no previous evidence of pathogenicity; No published segregation evidence has been identified for this variant; No published functional evidence has been identified for this variant; No comparable missense variants have previous evidence for pathogenicity; Missense variant with inconclusive in silico prediction and uninformative conservation; Loss of function is a known mechanism of disease in this gene and is associated with multiple congenital anomalies-neurodevelopmental syndrome, X-linked (MIM#301056); Variants in this gene are known to have variable expressivity. The severity of the disorder is highly variable (OMIM).

NM_001136157.2(OTUD5):c.667G>A (p.Ala223Thr)

Gene: OTUD5 (OTU deubiquitinase 5; minus strand). Cytogenetic location: Xp11.23.
Variant type: single nucleotide variant.
Coding change: c.667G>A on transcript NM_001136157.2 (MANE Select); coding-DNA position 667, G replaced by A.
Protein change: p.Ala223Thr; replaces alanine 223 with threonine.
Molecular consequence: missense variant.
Genome position (GRCh38, 1-based): chrX:48,944,211, C>T on the plus strand (G>A on the coding strand, the complement: OTUD5 is on the minus strand). VCF-style: chrX-48944211-C-T. GRCh37 (hg19) VCF-style: chrX-48801472-C-T.
Other names: c.667G>A, p.Ala223Thr (NM_001136158.2, NM_017602.4); c.16G>A, p.Ala6Thr (NM_001136159.2); short protein forms A223T, A6T.
Identifiers: ClinVar variation 3898538 (VCV003898538.9).